The following is an entry in ClinVar:

ClinVar aggregate classification (germline): Uncertain significance (1 of 4 stars; one submission).

Conditions:
Rhabdoid tumor predisposition syndrome 2 (RTPS2). Identifiers: Orphanet 231108, Orphanet 69077, MedGen C2750074, MONDO:0013224, OMIM 613325.

gnomAD v4.1: 1 of 1,614,028 alleles (0.000062%); highest among the groups gnomAD compares: African/African-American, 0.0013%; no homozygotes.

Submission:

Labcorp Genetics (formerly Invitae), Labcorp
Classification: Uncertain significance for Rhabdoid tumor predisposition syndrome 2. Last evaluated: 2025-09-24. Review status: criteria provided, single submitter. Criteria: Invitae Variant Classification Sherloc (09022015). Collection method: clinical testing. Allele origin: germline.
Comment: This sequence change replaces glutamic acid, which is acidic and polar, with aspartic acid, which is acidic and polar, at codon 663 of the SMARCA4 protein (p.Glu663Asp). This variant is not present in population databases (gnomAD no frequency). This variant has not been reported in the literature in individuals affected with SMARCA4-related conditions. An algorithm developed to predict the effect of missense changes on protein structure and function (PolyPhen-2) suggests that this variant is likely to be tolerated. In summary, the available evidence is currently insufficient to determine the role of this variant in disease. Therefore, it has been classified as a Variant of Uncertain Significance.

NM_003072.5(SMARCA4):c.1989A>C (p.Glu663Asp)

Gene: SMARCA4 (SWI/SNF related BAF chromatin remodeling complex subunit ATPase 4; plus strand). Cytogenetic location: 19p13.2.
Variant type: single nucleotide variant.
Coding change: c.1989A>C on transcript NM_003072.5 (MANE Select); coding-DNA position 1989, A replaced by C.
Protein change: p.Glu663Asp; replaces glutamic acid 663 with aspartic acid.
Molecular consequence: missense variant. On other transcripts: non-coding transcript variant (1).
Genome position (GRCh38, 1-based): chr19:11,003,385, A>C. VCF-style: chr19-11003385-A-C. GRCh37 (hg19) VCF-style: chr19-11114061-A-C.
Other names: c.1989A>C, p.Glu663Asp (NM_001128844.3, NM_001128845.2, NM_001128846.2 and 6 more transcripts); short protein forms E663D.
Identifiers: ClinVar variation 4802559 (VCV004802559.1).